The following is an entry in ClinVar:

NM_002653.5(PITX1):c.755dup (p.Leu253fs)

Gene: PITX1 (paired like homeodomain 1; minus strand). Cytogenetic location: 5q31.1.
Variant type: Duplication.
Coding change: c.755dup on transcript NM_002653.5 (MANE Select); coding-DNA position 755, one base duplicated (C; older notation c.755dupC).
Protein change: p.Leu253fs; shifts the reading frame from leucine 253.
Molecular consequence: frameshift variant.
Genome position (GRCh38, 1-based): chr5:135,028,969, G duplicated on the plus strand (C on the coding strand, the reverse complement: PITX1 is on the minus strand). VCF-style (leftmost placement, unchanged base first): chr5-135028968-C-CG. GRCh37 (hg19) VCF-style: chr5-134364658-C-CG.
Other names: short protein forms L253fs.
Identifiers: ClinVar variation 2001229 (VCV002001229.4), dbSNP rs2479667619, ClinGen allele CA2580072746.

ClinVar aggregate classification (germline): Uncertain significance (1 of 4 stars; one submission).

Submission:

Labcorp Genetics (formerly Invitae), Labcorp
Classification: Uncertain significance. Last evaluated: 2022-09-19. Review status: criteria provided, single submitter. Criteria: Invitae Variant Classification Sherloc (09022015). Collection method: clinical testing. Allele origin: germline.
Comment: In summary, the available evidence is currently insufficient to determine the role of this variant in disease. Therefore, it has been classified as a Variant of Uncertain Significance. This variant has not been reported in the literature in individuals affected with PITX1-related conditions. This variant is not present in population databases (gnomAD no frequency). This sequence change results in a frameshift in the PITX1 gene (p.Leu253Alafs*319). While this is not anticipated to result in nonsense mediated decay, it is expected to disrupt the last 62 amino acid(s) of the PITX1 protein and extend the protein by 256 additional amino acid residues.